The following is an entry in ClinVar:

NM_000451.4(SHOX):c.430G>A (p.Ala144Thr)

Genes: SHOX (SHOX homeobox; plus strand), LOC107652445 (meiotic recombination hotspot SHOX; plus strand). Cytogenetic location: Yp11.2.
Variant type: single nucleotide variant.
Coding change: c.430G>A on transcript NM_000451.4 (MANE Select); coding-DNA position 430, G replaced by A.
Protein change: p.Ala144Thr; replaces alanine 144 with threonine.
Molecular consequence: missense variant.
Genome position (GRCh38, 1-based): chrX:634,770, G>A. VCF-style: chrX-634770-G-A. GRCh37 (hg19) VCF-style: chrX-595505-G-A.
Other names: c.430G>A, p.Ala144Thr (NM_006883.2); short protein forms A144T.
Identifiers: ClinVar variation 4880862 (VCV004880862.2).

ClinVar aggregate classification (germline): Uncertain significance (1 of 4 stars; one submission).

Submission:

Dasa
Classification: Uncertain significance. Last evaluated: 2026-01-26. Review status: criteria provided, single submitter. Criteria: DASA Assertion Criteria. Collection method: clinical testing. Allele origin: germline.
Comment: NM_000451.4(SHOX):c.430G>A (p.Ala144Thr) is a missense variant that results in the substitution of alanine with threonine. This variant is rare in population databases. The currently available literature and clinical evidence are not sufficient to establish a definitive association between this variant and the reported condition. Therefore, this variant is classified as a variant of uncertain significance.